The following is an entry in ClinVar:

NM_001267550.2(TTN):c.90486_90489del (p.Ile30163fs)

Genes: TTN-AS1 (TTN antisense RNA 1; plus strand), TTN (titin; minus strand). Cytogenetic location: 2q31.2.
Variant type: Microsatellite.
Coding change: c.90486_90489del on transcript NM_001267550.2 (MANE Select); coding-DNA positions 90486 to 90489, 4 bases deleted (CATC; older notation c.90486_90489delCATC).
Protein change: p.Ile30163fs; shifts the reading frame from isoleucine 30163.
Molecular consequence: frameshift variant.
Genome position (GRCh38, 1-based): chr2:178,552,411-178,552,414, GATG deleted on the plus strand (CATC on the coding strand, the reverse complement: TTN is on the minus strand); deleting any 4 consecutive bases within chr2:178,552,411-178,552,419 gives the same sequence; the c. name uses the placement nearest the transcript's 3' end. VCF-style (leftmost placement, unchanged base first): chr2-178552410-TGATG-T. GRCh37 (hg19) VCF-style: chr2-179417137-TGATG-T.
Other names: c.85563_85566del, p.Ile28522fs (NM_001256850.1); c.63291_63294del, p.Ile21098fs (NM_003319.4); c.82782_82785del, p.Ile27595fs (NM_133378.4); c.63666_63669del, p.Ile21223fs (NM_133432.3); c.63867_63870del, p.Ile21290fs (NM_133437.4); short protein forms I21098fs, I21290fs, I30163fs, I21223fs, I28522fs, I27595fs.
Identifiers: ClinVar variation 1487318 (VCV001487318.9), dbSNP rs2154151260, ClinGen allele CA2580614457.

ClinVar aggregate classification (germline): Likely pathogenic. Review status: criteria provided, single submitter (1 of 4 stars). 2 submissions from 2 submitters: Likely pathogenic (1). 1 of the submissions does not count toward it. Last evaluated 2020-12-08.

Conditions:
Dilated cardiomyopathy 1G (CMD1G). Identifiers: Orphanet 154, MedGen C1858763, MONDO:0011400, OMIM 604145.
Autosomal recessive limb-girdle muscular dystrophy type 2J (LGMDR10). Also called: Limb-girdle muscular dystrophy, type 2J; MUSCULAR DYSTROPHY, LIMB-GIRDLE, AUTOSOMAL RECESSIVE 10. Identifiers: Orphanet 140922, MedGen C1837342, MONDO:0012127, OMIM 608807.

Submissions (2):

Labcorp Genetics (formerly Invitae), Labcorp
Classification: Likely pathogenic for Dilated cardiomyopathy 1G; Autosomal recessive limb-girdle muscular dystrophy type 2J. Last evaluated: 2020-12-08. Review status: criteria provided, single submitter. Criteria: Invitae Variant Classification Sherloc (09022015). Collection method: clinical testing. Allele origin: germline.
Comment: In summary, the currently available evidence indicates that the variant is pathogenic, but additional data are needed to prove that conclusively. Therefore, this variant has been classified as Likely Pathogenic. This variant is located in the A band of TTN (PMID: 25589632). Truncating variants in this region are significantly overrepresented in patients affected with dilated cardiomyopathy (PMID: 25589632). Truncating variants in this region have also been reported in individuals affected with autosomal recessive centronuclear myopathy (PMID: 23975875). This variant has not been reported in the literature in individuals with TTN-related conditions. This variant is not present in population databases (ExAC no frequency). This sequence change creates a premature translational stop signal (p.Ile30163Valfs*3) in the TTN gene. While this is not anticipated to result in nonsense mediated decay, it is expected to create a truncated TTN protein.

Cardiogenetics and Myogenetics Molecular and Cellular Functional Unit, Aphp Sorbonne University-Hopital Pitie Salpetriere
Classification: Likely pathogenic for Dilated cardiomyopathy 1G. Last evaluated: 2024-01-06. Review status: no assertion criteria provided. Collection method: clinical testing. Allele origin: germline. Affected: yes. Not counted in ClinVar's aggregate classification.

Literature cited by the submitters: PubMed 25589632 (cited by Labcorp Genetics (formerly Invitae), Labcorp); PubMed 23975875 (cited by Labcorp Genetics (formerly Invitae), Labcorp).